The following is an entry in ClinVar:

ClinVar aggregate classification (germline): Uncertain significance. Review status: criteria provided, multiple submitters, no conflicts (2 of 4 stars). 2 submissions from 2 submitters: Uncertain significance (2). Last evaluated 2025-07-03.

Conditions:
Inborn genetic diseases. Identifiers: MedGen C0950123, MeSH D030342.
Osteogenesis imperfecta type 8 (OI8). Identifiers: MedGen C1970458, MONDO:0012581, OMIM 610915.

Allele frequency attached by ClinVar (database versions not stated): gnomAD exomes below 0.00001; TOPMed 0.00001; gnomAD 0.00003.
gnomAD v4.1: 11 of 1,614,108 alleles (0.00068%); highest among the groups gnomAD compares: Non-Finnish European, 0.00093%; no homozygotes.

Submissions (2):

Ambry Genetics
Classification: Uncertain significance for Inborn genetic diseases. Last evaluated: 2025-07-03. Review status: criteria provided, single submitter. Criteria: Ambry Variant Classification Scheme 2023. Collection method: clinical testing. Allele origin: germline.

Labcorp Genetics (formerly Invitae), Labcorp
Classification: Uncertain significance for Osteogenesis imperfecta type 8. Last evaluated: 2022-07-08. Review status: criteria provided, single submitter. Criteria: Invitae Variant Classification Sherloc (09022015). Collection method: clinical testing. Allele origin: germline.
Comment: This sequence change replaces phenylalanine, which is neutral and non-polar, with valine, which is neutral and non-polar, at codon 330 of the P3H1 protein (p.Phe330Val). This variant is present in population databases (no rsID available, gnomAD 0.002%). This variant has not been reported in the literature in individuals affected with P3H1-related conditions. Algorithms developed to predict the effect of missense changes on protein structure and function (SIFT, PolyPhen-2, Align-GVGD) all suggest that this variant is likely to be disruptive. In summary, the available evidence is currently insufficient to determine the role of this variant in disease. Therefore, it has been classified as a Variant of Uncertain Significance.

NM_022356.4(P3H1):c.988T>G (p.Phe330Val)

Gene: P3H1 (prolyl 3-hydroxylase 1; minus strand). Cytogenetic location: 1p34.2.
Variant type: single nucleotide variant.
Coding change: c.988T>G on transcript NM_022356.4 (MANE Select); coding-DNA position 988, T replaced by G.
Protein change: p.Phe330Val; replaces phenylalanine 330 with valine.
Molecular consequence: missense variant.
Genome position (GRCh38, 1-based): chr1:42,757,875, A>C on the plus strand (T>G on the coding strand, the complement: P3H1 is on the minus strand). VCF-style: chr1-42757875-A-C. GRCh37 (hg19) VCF-style: chr1-43223546-A-C.
Other names: c.988T>G, p.Phe330Val (NM_001146289.2, NM_001243246.2); short protein forms F330V.
Identifiers: ClinVar variation 2197203 (VCV002197203.2), dbSNP rs1437738251, ClinGen allele CA339959013.